The following is an entry in ClinVar:

ClinVar aggregate classification (germline): Uncertain significance (1 of 4 stars; one submission).

Submission:

GeneDx
Classification: Uncertain significance. Last evaluated: 2026-03-05. Review status: criteria provided, single submitter. Criteria: GeneDx Variant Classification Process June 2021. Collection method: clinical testing. Allele origin: germline.
Comment: Not observed at significant frequency in large population cohorts (gnomAD); Missense variants in this gene are a common cause of disease and they are underrepresented in the general population; In silico analysis supports that this missense variant has a deleterious effect on protein structure/function; Has not been previously published as pathogenic or benign to our knowledge

NM_170665.4(ATP2A2):c.1333C>T (p.Leu445Phe)

Gene: ATP2A2 (ATPase sarcoplasmic/endoplasmic reticulum Ca2+ transporting 2; plus strand). Cytogenetic location: 12q24.11.
Variant type: single nucleotide variant.
Coding change: c.1333C>T on transcript NM_170665.4 (MANE Select); coding-DNA position 1333, C replaced by T.
Protein change: p.Leu445Phe; replaces leucine 445 with phenylalanine.
Molecular consequence: missense variant.
Genome position (GRCh38, 1-based): chr12:110,334,057, C>T. VCF-style: chr12-110334057-C-T. GRCh37 (hg19) VCF-style: chr12-110771862-C-T.
Other names: c.1228C>T, p.Leu410Phe (NM_001413013.1); c.1333C>T, p.Leu445Phe (NM_001413014.1, NM_001681.4); c.958C>T, p.Leu320Phe (NM_001413015.1); short protein forms L445F, L320F, L410F.
Identifiers: ClinVar variation 5008639 (VCV005008639.1).